The following is an entry in ClinVar:

NM_000937.5(POLR2A):c.1288C>A (p.Arg430Ser)

Gene: POLR2A (RNA polymerase II subunit A; plus strand). Cytogenetic location: 17p13.1.
Variant type: single nucleotide variant.
Coding change: c.1288C>A on transcript NM_000937.5 (MANE Select); coding-DNA position 1288, C replaced by A.
Protein change: p.Arg430Ser; replaces arginine 430 with serine.
Molecular consequence: missense variant.
Genome position (GRCh38, 1-based): chr17:7,498,163, C>A. VCF-style: chr17-7498163-C-A. GRCh37 (hg19) VCF-style: chr17-7401482-C-A.
Other names: short protein forms R430S.
Identifiers: ClinVar variation 2573733 (VCV002573733.1), dbSNP rs2150880695, ClinGen allele CA397873241.

ClinVar aggregate classification (germline): Uncertain significance (1 of 4 stars; one submission).

Submission:

GeneDx
Classification: Uncertain significance. Last evaluated: 2023-01-24. Review status: criteria provided, single submitter. Criteria: GeneDx Variant Classification Process June 2021. Collection method: clinical testing. Allele origin: germline. Affected: yes.
Comment: Not observed at significant frequency in large population cohorts (gnomAD); In silico analysis supports that this missense variant has a deleterious effect on protein structure/function; Has not been previously published as pathogenic or benign to our knowledge